The following is an entry in ClinVar:

NM_000238.4(KCNH2):c.1756C>G (p.Leu586Val)

Gene: KCNH2 (potassium voltage-gated channel subfamily H member 2; minus strand). Cytogenetic location: 7q36.1.
Variant type: single nucleotide variant.
Coding change: c.1756C>G on transcript NM_000238.4 (MANE Select); coding-DNA position 1756, C replaced by G.
Protein change: p.Leu586Val; replaces leucine 586 with valine.
Molecular consequence: missense variant.
Genome position (GRCh38, 1-based): chr7:150,951,637, G>C on the plus strand (C>G on the coding strand, the complement: KCNH2 is on the minus strand). VCF-style: chr7-150951637-G-C. GRCh37 (hg19) VCF-style: chr7-150648725-G-C.
Other names: c.736C>G, p.Leu246Val (NM_001204798.2, NM_172057.3); c.1468C>G, p.Leu490Val (NM_001406753.1, NM_001406756.1); c.1579C>G, p.Leu527Val (NM_001406755.1); c.1456C>G, p.Leu486Val (NM_001406757.1); c.1756C>G, p.Leu586Val (NM_172056.3); short protein forms L246V, L586V, L486V, L490V, L527V.
Identifiers: ClinVar variation 993664 (VCV000993664.9), dbSNP rs1801169246, ClinGen allele CA369858126.

ClinVar aggregate classification (germline): Uncertain significance. Review status: criteria provided, multiple submitters, no conflicts (2 of 4 stars). 2 submissions from 2 submitters: Uncertain significance (2). Last evaluated 2023-11-01.

Submissions (2):

Blueprint Genetics
Classification: Uncertain significance. Last evaluated: 2023-11-01. Review status: criteria provided, single submitter. Criteria: ACMG Guidelines, 2015. Collection method: clinical testing. Allele origin: germline.

ARUP Laboratories, Molecular Genetics and Genomics, ARUP Laboratories
Classification: Uncertain significance. Last evaluated: 2020-03-09. Review status: criteria provided, single submitter. Criteria: ARUP Molecular Germline Variant Investigation Process. Collection method: clinical testing. Allele origin: germline.
Comment: The KCNH2 c.1756C>G; p.Leu586Val variant, to our knowledge, is not reported in the medical literature or gene-specific databases. This variant is also absent from general population databases (Exome Variant Server, Genome Aggregation Database), indicating it is not a common polymorphism. The leucine at codon 586 is highly conserved, and computational analyses (SIFT, PolyPhen-2) predict that this variant is deleterious. Another amino acid substitution at this codon (p.Leu586Met) has been reported in an individual with long QT syndrome, but its clinical significance was not demonstrated (Ildarova 2012). Given the lack of clinical and functional data, the significance of the p.Leu586Val variant is uncertain at this time. References: Ildarova R et al. Sodium-channel blockers might contribute to the prevention of ventricular tachycardia in patients with long QT syndrome type 2: a description of 4 cases. J Electrocardiol. 2012 May-Jun;45(3):237-43.